The following is an entry in ClinVar:

NM_001042492.3(NF1):c.7037A>G (p.Asp2346Gly)

Gene: NF1 (neurofibromin 1; plus strand). Cytogenetic location: 17q11.2.
Variant type: single nucleotide variant.
Coding change: c.7037A>G on transcript NM_001042492.3 (MANE Select); coding-DNA position 7037, A replaced by G.
Protein change: p.Asp2346Gly; replaces aspartic acid 2346 with glycine.
Molecular consequence: missense variant.
Genome position (GRCh38, 1-based): chr17:31,340,620, A>G. VCF-style: chr17-31340620-A-G. GRCh37 (hg19) VCF-style: chr17-29667638-A-G.
Other names: c.6974A>G, p.Asp2325Gly (NM_000267.4); short protein forms D2325G, D2346G.
Identifiers: ClinVar variation 1464172 (VCV001464172.11), dbSNP rs2151561935, ClinGen allele CA399015148.

ClinVar aggregate classification (germline): Uncertain significance. Review status: criteria provided, multiple submitters, no conflicts (2 of 4 stars). 2 submissions from 2 submitters: Uncertain significance (2). Last evaluated 2025-02-18.

Conditions:
Cardiovascular phenotype. Identifiers: MedGen CN230736.
Hereditary cancer-predisposing syndrome. Also called: Neoplastic Syndromes, Hereditary; Hereditary Cancer Syndrome; Tumor predisposition; Hereditary neoplastic syndrome. Identifiers: Orphanet 140162, MedGen C0027672, MeSH D009386, MONDO:0015356.
Neurofibromatosis, type 1 (NF1). Also called: NEUROFIBROMATOSIS, TYPE I, SOMATIC; VON RECKLINGHAUSEN DISEASE; Peripheral type neurofibromatosis; Neurofibromatosis, type I. Identifiers: Orphanet 636, MedGen C0027831, MONDO:0018975, OMIM 162200. Disease mechanism: loss of function.

Submissions (2):

Ambry Genetics
Classification: Uncertain significance for Cardiovascular phenotype; Hereditary cancer-predisposing syndrome. Last evaluated: 2025-02-18. Review status: criteria provided, single submitter. Criteria: Ambry Variant Classification Scheme 2023. Collection method: clinical testing. Allele origin: germline.
Comment: The p.D2325G variant (also known as c.6974A>G), located in coding exon 46 of the NF1 gene, results from an A to G substitution at nucleotide position 6974. The aspartic acid at codon 2325 is replaced by glycine, an amino acid with similar properties. This amino acid position is highly conserved in available vertebrate species. In addition, the in silico prediction for this alteration is inconclusive. Based on the available evidence, the clinical significance of this variant remains unclear.

Labcorp Genetics (formerly Invitae), Labcorp
Classification: Uncertain significance for Neurofibromatosis, type 1. Last evaluated: 2021-02-03. Review status: criteria provided, single submitter. Criteria: Invitae Variant Classification Sherloc (09022015). Collection method: clinical testing. Allele origin: germline.
Comment: This variant is not present in population databases (ExAC no frequency). In summary, the available evidence is currently insufficient to determine the role of this variant in disease. Therefore, it has been classified as a Variant of Uncertain Significance. Algorithms developed to predict the effect of sequence changes on RNA splicing suggest that this variant may create or strengthen a splice site, but this prediction has not been confirmed by published transcriptional studies. Advanced modeling of protein sequence and biophysical properties (such as structural, functional, and spatial information, amino acid conservation, physicochemical variation, residue mobility, and thermodynamic stability) performed at Invitae indicates that this missense variant is expected to disrupt NF1 protein function. This variant has not been reported in the literature in individuals with NF1-related conditions. This sequence change replaces aspartic acid with glycine at codon 2325 of the NF1 protein (p.Asp2325Gly). The aspartic acid residue is moderately conserved and there is a moderate physicochemical difference between aspartic acid and glycine.